The following is an entry in ClinVar:

NM_002769.5(PRSS1):c.246G>T (p.Glu82Asp)

Genes: TRB (T cell receptor beta locus; plus strand), PRSS1 (serine protease 1; plus strand). Cytogenetic location: 7q34.
Variant type: single nucleotide variant.
Coding change: c.246G>T on transcript NM_002769.5 (MANE Select); coding-DNA position 246, G replaced by T.
Protein change: p.Glu82Asp; replaces glutamic acid 82 with aspartic acid.
Molecular consequence: missense variant. On other transcripts: non-coding transcript variant (2).
Genome position (GRCh38, 1-based): chr7:142,751,819, G>T. VCF-style: chr7-142751819-G-T. GRCh37 (hg19) VCF-style: chr7-142459670-G-T.
Other names: short protein forms E82D.
Identifiers: ClinVar variation 1791763 (VCV001791763.3), dbSNP rs2485752700, ClinGen allele CA369608505.
Genomic context (GRCh38, chr7:142,751,819, plus strand): 5'-TGCCCTGCCCATCAGCCGCATCCAGGTGAGACTGGGAGAGCACAACATCGAAGTCCTGGA[G>T]GGGAATGAGCAGTTCATCAATGCAGCCAAGATCATCCGCCACCCCCAATACGACAGGAAG-3'
Protein context (NP_002760.1, residues 72-92): RLGEHNIEVL[Glu82Asp]GNEQFINAAK

ClinVar aggregate classification (germline): Uncertain significance. Review status: criteria provided, multiple submitters, no conflicts (2 of 4 stars). 2 submissions from 2 submitters: Uncertain significance (2). Last evaluated 2024-08-05.

Conditions:
Hereditary pancreatitis (PCTT). Also called: PRSS1-Related Hereditary Pancreatitis; Hereditary chronic pancreatitis. Identifiers: Orphanet 676, MedGen C0238339, MONDO:0008185, OMIM 167800.

Submissions (2):

Women's Health and Genetics/Laboratory Corporation of America, LabCorp
Classification: Uncertain significance. Last evaluated: 2024-08-05. Review status: criteria provided, single submitter. Criteria: LabCorp Variant Classification Summary - May 2015. Collection method: clinical testing. Allele origin: germline.

Ambry Genetics
Classification: Uncertain significance for Hereditary pancreatitis. Last evaluated: 2021-10-09. Review status: criteria provided, single submitter. Criteria: Ambry Variant Classification Scheme 2023. Collection method: clinical testing. Allele origin: germline.
Comment: The p.E82D variant (also known as c.246G>T), located in coding exon 3 of the PRSS1 gene, results from a G to T substitution at nucleotide position 246. The glutamic acid at codon 82 is replaced by aspartic acid, an amino acid with highly similar properties. This amino acid position is conserved. In addition, the in silico prediction for this alteration is inconclusive. Since supporting evidence is limited at this time, the clinical significance of this alteration remains unclear.